The following is an entry in ClinVar:

NM_018263.6(ASXL2):c.1365G>T (p.Pro455=)

Gene: ASXL2 (ASXL transcriptional regulator 2; minus strand). Cytogenetic location: 2p23.3.
Variant type: single nucleotide variant.
Coding change: c.1365G>T on transcript NM_018263.6 (MANE Select); coding-DNA position 1365, G replaced by T.
Protein change: p.Pro455=; no amino-acid change (proline 455 retained).
Molecular consequence: synonymous variant.
Genome position (GRCh38, 1-based): chr2:25,750,191, C>A on the plus strand (G>T on the coding strand, the complement: ASXL2 is on the minus strand). VCF-style: chr2-25750191-C-A. GRCh37 (hg19) VCF-style: chr2-25973060-C-A.
Other names: c.1191G>T, p.Pro397= (NM_001369346.1); c.585G>T, p.Pro195= (NM_001369347.1).
Identifiers: ClinVar variation 4997266 (VCV004997266.1).

ClinVar aggregate classification (germline): Likely benign (1 of 4 stars; one submission).

Conditions:
ASXL2-related disorder. Also called: ASXL2-related condition.

gnomAD v4.1: 17 of 1,613,742 alleles (0.0011%); highest among the groups gnomAD compares: Non-Finnish European, 0.0014%; no homozygotes.

Submission:

PreventionGenetics, part of Exact Sciences
Classification: Likely benign for ASXL2-related condition. Last evaluated: 2025-07-25. Review status: criteria provided, single submitter. Criteria: ACMG Guidelines, 2015. Collection method: clinical testing. Allele origin: germline.
Comment: This variant is classified as likely benign based on ACMG/AMP sequence variant interpretation guidelines (Richards et al. 2015 PMID: 25741868, with internal and published modifications).